The following is an entry in ClinVar:

ClinVar aggregate classification (germline): Uncertain significance (1 of 4 stars; one submission).

Conditions:
Tuberous sclerosis 2 (TSC2). Identifiers: Orphanet 805, MedGen C1860707, MONDO:0013199, OMIM 613254.

Submission:

Labcorp Genetics (formerly Invitae), Labcorp
Classification: Uncertain significance for Tuberous sclerosis 2. Last evaluated: 2023-10-03. Review status: criteria provided, single submitter. Criteria: Invitae Variant Classification Sherloc (09022015). Collection method: clinical testing. Allele origin: germline.
Comment: This sequence change replaces methionine, which is neutral and non-polar, with isoleucine, which is neutral and non-polar, at codon 740 of the TSC2 protein (p.Met740Ile). This variant also falls at the last nucleotide of exon 20, which is part of the consensus splice site for this exon. This variant is not present in population databases (gnomAD no frequency). This variant has not been reported in the literature in individuals affected with TSC2-related conditions. ClinVar contains an entry for this variant (Variation ID: 1998088). An algorithm developed to predict the effect of missense changes on protein structure and function (PolyPhen-2) suggests that this variant is likely to be tolerated. Variants that disrupt the consensus splice site are a relatively common cause of aberrant splicing (PMID: 17576681, 9536098). Algorithms developed to predict the effect of sequence changes on RNA splicing suggest that this variant may disrupt the consensus splice site. In summary, the available evidence is currently insufficient to determine the role of this variant in disease. Therefore, it has been classified as a Variant of Uncertain Significance.

Literature cited by the submitters: PubMed 17576681; PubMed 9536098.

NM_000548.5(TSC2):c.2220G>C (p.Met740Ile)

Gene: TSC2 (TSC complex subunit 2; plus strand). Cytogenetic location: 16p13.3.
Variant type: single nucleotide variant.
Coding change: c.2220G>C on transcript NM_000548.5 (MANE Select); coding-DNA position 2220, G replaced by C.
Protein change: p.Met740Ile; replaces methionine 740 with isoleucine.
Molecular consequence: missense variant.
Genome position (GRCh38, 1-based): chr16:2,072,363, G>C. VCF-style: chr16-2072363-G-C. GRCh37 (hg19) VCF-style: chr16-2122364-G-C.
Other names: c.2220G>C, p.Met740Ile (NM_001077183.3, NM_001114382.3, NM_001363528.2 and 6 more transcripts); c.2109G>C, p.Met703Ile (NM_001318827.2, NM_001406678.1, NM_001406670.1); c.2073G>C, p.Met691Ile (NM_001318829.2, NM_001406675.1, NM_001406676.1 and 1 more transcripts); c.1620G>C, p.Met540Ile (NM_001318831.2, NM_001406680.1, NM_001406682.1 and 6 more transcripts); c.2253G>C, p.Met751Ile (NM_001318832.2); c.2163G>C, p.Met721Ile (NM_001406677.1); c.1758G>C, p.Met586Ile (NM_001406681.1); c.876G>C, p.Met292Ile (NM_001406694.1, NM_001406695.1, NM_001406696.1 and 6 more transcripts); and 3 more; short protein forms M292I, M540I, M721I, M751I, M691I, M586I, M703I, M770I.
Identifiers: ClinVar variation 1998088 (VCV001998088.4), dbSNP rs2151319848, ClinGen allele CA394275185.